The following is an entry in ClinVar:

ClinVar aggregate classification (germline): Uncertain significance (1 of 4 stars; one submission).

Conditions:
Pitt-Hopkins-like syndrome 2 (PTHSL2). Identifiers: Orphanet 221150, Orphanet 600663, MedGen C3280479, MONDO:0013690, OMIM 614325.

gnomAD v4.1: 1 of 1,613,962 alleles (0.000062%); highest among the groups gnomAD compares: Non-Finnish European, 0.000085%; no homozygotes.

Submission:

Labcorp Genetics (formerly Invitae), Labcorp
Classification: Uncertain significance for Pitt-Hopkins-like syndrome 2. Last evaluated: 2024-10-06. Review status: criteria provided, single submitter. Criteria: Invitae Variant Classification Sherloc (09022015). Collection method: clinical testing. Allele origin: germline.
Comment: This sequence change replaces asparagine, which is neutral and polar, with aspartic acid, which is acidic and polar, at codon 554 of the NRXN1 protein (p.Asn554Asp). This variant is not present in population databases (gnomAD no frequency). This variant has not been reported in the literature in individuals affected with NRXN1-related conditions. An algorithm developed to predict the effect of missense changes on protein structure and function (PolyPhen-2) suggests that this variant is likely to be disruptive. In summary, the available evidence is currently insufficient to determine the role of this variant in disease. Therefore, it has been classified as a Variant of Uncertain Significance.

NM_001330078.2(NRXN1):c.1540A>G (p.Asn514Asp)

Gene: NRXN1 (neurexin 1; minus strand). Cytogenetic location: 2p16.3.
Variant type: single nucleotide variant.
Coding change: c.1540A>G on transcript NM_001330078.2 (MANE Select); coding-DNA position 1540, A replaced by G.
Protein change: p.Asn514Asp; replaces asparagine 514 with aspartic acid.
Molecular consequence: missense variant.
Genome position (GRCh38, 1-based): chr2:50,552,806, T>C on the plus strand (A>G on the coding strand, the complement: NRXN1 is on the minus strand). VCF-style: chr2-50552806-T-C. GRCh37 (hg19) VCF-style: chr2-50779944-T-C.
Other names: c.1660A>G, p.Asn554Asp (NM_001135659.3); c.1516A>G, p.Asn506Asp (NM_001330077.2, NM_001330082.2, NM_001330095.2); c.1501A>G, p.Asn501Asp (NM_001330083.2, NM_001330084.2); c.1540A>G, p.Asn514Asp (NM_001330085.2, NM_001330086.2, NM_004801.6); c.1456A>G, p.Asn486Asp (NM_001330087.2, NM_001330096.2); c.1486A>G, p.Asn496Asp (NM_001330088.2); c.1537A>G, p.Asn513Asp (NM_001330093.2); c.1528A>G, p.Asn510Asp (NM_001330094.2); short protein forms N513D, N554D, N486D, N496D, N501D, N514D, N506D, N510D.
Identifiers: ClinVar variation 3722309 (VCV003722309.2).